The following is an entry in ClinVar:

ClinVar aggregate classification (germline): Uncertain significance (1 of 4 stars; one submission).

Conditions:
DICER1-related tumor predisposition. Also called: DICER1 syndrome; DICER1-related pleuropulmonary blastoma cancer predisposition syndrome. Identifiers: Orphanet 284343, MedGen C3839822, MONDO:0100216.

Submission:

Labcorp Genetics (formerly Invitae), Labcorp
Classification: Uncertain significance for DICER1-related tumor predisposition. Last evaluated: 2022-08-03. Review status: criteria provided, single submitter. Criteria: Invitae Variant Classification Sherloc (09022015). Collection method: clinical testing. Allele origin: germline.
Comment: In summary, the available evidence is currently insufficient to determine the role of this variant in disease. Therefore, it has been classified as a Variant of Uncertain Significance. Algorithms developed to predict the effect of missense changes on protein structure and function are either unavailable or do not agree on the potential impact of this missense change (SIFT: "Tolerated"; PolyPhen-2: "Possibly Damaging"; Align-GVGD: "Class C0"). ClinVar contains an entry for this variant (Variation ID: 1349753). This variant has not been reported in the literature in individuals affected with DICER1-related conditions. This variant is not present in population databases (gnomAD no frequency). This sequence change replaces isoleucine, which is neutral and non-polar, with valine, which is neutral and non-polar, at codon 933 of the DICER1 protein (p.Ile933Val).

NM_177438.3(DICER1):c.2797A>G (p.Ile933Val)

Gene: DICER1 (dicer 1, ribonuclease III; minus strand). Cytogenetic location: 14q32.13.
Variant type: single nucleotide variant.
Coding change: c.2797A>G on transcript NM_177438.3 (MANE Select); coding-DNA position 2797, A replaced by G.
Protein change: p.Ile933Val; replaces isoleucine 933 with valine.
Molecular consequence: missense variant.
Genome position (GRCh38, 1-based): chr14:95,107,615, T>C on the plus strand (A>G on the coding strand, the complement: DICER1 is on the minus strand). VCF-style: chr14-95107615-T-C. GRCh37 (hg19) VCF-style: chr14-95573952-T-C.
Other names: c.2797A>G, p.Ile933Val (NM_001195573.1, NM_001271282.3, NM_001291628.2 and 1 more transcripts); short protein forms I933V.
Identifiers: ClinVar variation 1349753 (VCV001349753.9), dbSNP rs2140018288, ClinGen allele CA390879411.